The following is an entry in ClinVar:

ClinVar aggregate classification (germline): Conflicting classifications of pathogenicity. Review status: criteria provided, conflicting classifications (1 of 4 stars). 4 submissions from 4 submitters: Uncertain significance (1); Likely benign (3). Last evaluated 2025-03-03.

Conditions:
Autosomal recessive ataxia, Beauce type. Also called: Spinocerebellar ataxia, autosomal recessive 8; ATAXIA, RECESSIVE, OF BEAUCE; SYNE1-Related Autosomal Recessive Cerebellar Ataxia; SYNE1 Deficiency. Identifiers: Orphanet 88644, MedGen C1853116, MONDO:0012549, OMIM 610743.
Emery-Dreifuss muscular dystrophy 4, autosomal dominant (EDMD4). Also called: EMERY-DREIFUSS MUSCULAR DYSTROPHY 4 WITH VARIABLE FEATURES. Identifiers: Orphanet 261, MedGen C2751807, MONDO:0013071, OMIM 612998.

Allele frequency attached by ClinVar (database versions not stated): ExAC 0.00004; gnomAD exomes 0.00007; ESP Exome Variant Server 0.00008; gnomAD 0.00009; TOPMed 0.00009.
gnomAD v4.1: 111 of 1,614,014 alleles (0.0069%); highest among the groups gnomAD compares: African/African-American, 0.0093%; no homozygotes.

Submissions (4):

Labcorp Genetics (formerly Invitae), Labcorp
Classification: Likely benign for Emery-Dreifuss muscular dystrophy 4, autosomal dominant; Autosomal recessive ataxia, Beauce type. Last evaluated: 2025-03-03. Review status: criteria provided, single submitter. Criteria: Invitae Variant Classification Sherloc (09022015). Collection method: clinical testing. Allele origin: germline.

Blueprint Genetics
Classification: Likely benign. Last evaluated: 2024-02-03. Review status: criteria provided, single submitter. Criteria: ACMG Guidelines, 2015. Collection method: clinical testing. Allele origin: germline.

GeneDx
Classification: Likely benign. Last evaluated: 2017-05-19. Review status: criteria provided, single submitter. Criteria: GeneDx Variant Classification (06012015). Collection method: clinical testing. Allele origin: germline. Affected: yes.
Comment: This variant is considered likely benign or benign based on one or more of the following criteria: it is a conservative change, it occurs at a poorly conserved position in the protein, it is predicted to be benign by multiple in silico algorithms, and/or has population frequency not consistent with disease.

Eurofins Ntd Llc (ga)
Classification: Uncertain significance. Last evaluated: 2017-02-28. Review status: criteria provided, single submitter. Criteria: EGL Classification Definitions 2015. Collection method: clinical testing. Allele origin: germline. Observed: 1 variant allele, 1 heterozygote.

NM_182961.4(SYNE1):c.21705G>A (p.Lys7235=)

Gene: SYNE1 (spectrin repeat containing nuclear envelope protein 1; minus strand). Cytogenetic location: 6q25.2.
Variant type: single nucleotide variant.
Coding change: c.21705G>A on transcript NM_182961.4 (MANE Select); coding-DNA position 21705, G replaced by A.
Protein change: p.Lys7235=; no amino-acid change (lysine 7235 retained).
Molecular consequence: synonymous variant.
Genome position (GRCh38, 1-based): chr6:152,220,998, C>T on the plus strand (G>A on the coding strand, the complement: SYNE1 is on the minus strand). VCF-style: chr6-152220998-C-T. GRCh37 (hg19) VCF-style: chr6-152542133-C-T.
Other names: c.21492G>A, p.Lys7164= (NM_033071.5).
Identifiers: ClinVar variation 500677 (VCV000500677.13), dbSNP rs148606479, ClinGen allele CA4054080.